The following is an entry in ClinVar:

NM_003240.5(LEFTY2):c.54C>T (p.Pro18=)

Gene: LEFTY2 (left-right determination factor 2; minus strand). Cytogenetic location: 1q42.12.
Variant type: single nucleotide variant.
Coding change: c.54C>T on transcript NM_003240.5 (MANE Select); coding-DNA position 54, C replaced by T.
Protein change: p.Pro18=; no amino-acid change (proline 18 retained).
Molecular consequence: synonymous variant.
Genome position (GRCh38, 1-based): chr1:225,941,087, G>A on the plus strand (C>T on the coding strand, the complement: LEFTY2 is on the minus strand). VCF-style: chr1-225941087-G-A. GRCh37 (hg19) VCF-style: chr1-226128787-G-A.
Other names: c.54C>T, p.Pro18= (NM_001172425.3); c.54C>T (NM_003240.4).
Identifiers: ClinVar variation 536419 (VCV000536419.12), dbSNP rs370508860, ClinGen allele CA1420716.
Genomic context (GRCh38, chr1:225,941,087, plus strand): 5'-GCTGAGCTGCAGCTGCCGCAGCAGGCTGCCCAGGAGCTGCTCCTCGGTCAGGGCCGCCCC[G>A]GGGCCAGCCAGGGGCAGCACCCAGAGTGCCCAGCAGAGCCACAGGGGCCACATGGTGCTG-3'
Protein context (NP_003231.2, residues 8-28): WALWVLPLAG[Pro18=]GAALTEEQLL

ClinVar aggregate classification (germline): Likely benign. Review status: criteria provided, single submitter (1 of 4 stars). 2 submissions from 2 submitters: Likely benign (1). 1 of the submissions does not count toward it. Last evaluated 2019-07-31.

Conditions:
Left-right axis malformations. Identifiers: MedGen C1866091.
LEFTY2-related disorder. Also called: LEFTY2-related condition.

Allele frequency attached by ClinVar (database versions not stated): gnomAD exomes 0.00003; ExAC 0.00004; TOPMed 0.00004; gnomAD 0.00006; ESP Exome Variant Server 0.00008.
gnomAD v4.1: 27 of 1,596,074 alleles (0.0017%); highest among the groups gnomAD compares: African/African-American, 0.021%; no homozygotes.

Submissions (2):

Labcorp Genetics (formerly Invitae), Labcorp
Classification: Likely benign for Left-right axis malformations. Last evaluated: 2019-07-31. Review status: criteria provided, single submitter. Criteria: Invitae Variant Classification Sherloc (09022015). Collection method: clinical testing. Allele origin: germline.

PreventionGenetics, part of Exact Sciences
Classification: Likely benign for LEFTY2-related condition. Last evaluated: 2023-03-01. Review status: no assertion criteria provided. Collection method: clinical testing. Allele origin: germline. Not counted in ClinVar's aggregate classification.
Comment: This variant is classified as likely benign based on ACMG/AMP sequence variant interpretation guidelines (Richards et al. 2015 PMID: 25741868, with internal and published modifications).